The following is an entry in ClinVar:

NM_181507.2(HPS5):c.1634+1G>A

Gene: HPS5 (HPS5 biogenesis of lysosomal organelles complex 2 subunit 2; minus strand). Cytogenetic location: 11p15.1.
Variant type: single nucleotide variant.
Coding change: c.1634+1G>A on transcript NM_181507.2 (MANE Select); the canonical splice donor site of the intron after coding-DNA position 1634, G replaced by A.
Molecular consequence: splice donor variant.
Genome position (GRCh38, 1-based): chr11:18,295,998, C>T on the plus strand (G>A on the coding strand, the complement: HPS5 is on the minus strand). VCF-style: chr11-18295998-C-T. GRCh37 (hg19) VCF-style: chr11-18317545-C-T.
Other names: c.1220+1G>A (NM_001440927.1, NM_001440929.1, NM_001440928.1); c.1292+1G>A (NM_001440930.1, NM_007216.4, NM_001440923.1 and 7 more transcripts); c.1634+1G>A (NM_001440916.1, NM_001440902.1, NM_001440904.1 and 5 more transcripts); c.1559+1G>A (NM_001440909.1, NM_001440908.1, NM_001440907.1); c.1523+1G>A (NM_001440913.1, NM_001440915.1, NM_001440914.1); c.1421+1G>A (NM_001440919.1); c.1448+1G>A (NM_001440918.1).
Identifiers: ClinVar variation 2137025 (VCV002137025.4), dbSNP rs1861020570, ClinGen allele CA379493670.
Genomic context (GRCh38, chr11:18,295,998, plus strand): 5'-CTAATGTGAGAACTGAAATAAGATCAGTAATGGAATTAAATGACAAGACTAATTGGTTTA[C>T]CTTTCTTTGACAGCCTGAAGAGACACAAGAGGAGATGGAGAACGAAATGGTAATGGAATG-3'

ClinVar aggregate classification (germline): Pathogenic (1 of 4 stars; one submission).

Allele frequency attached by ClinVar (database versions not stated): gnomAD exomes below 0.00001; TOPMed below 0.00001.
gnomAD v4.1: 1 of 1,613,230 alleles (0.000062%); highest among the groups gnomAD compares: Admixed American, 0.0017%; no homozygotes.

Submission:

Labcorp Genetics (formerly Invitae), Labcorp
Classification: Pathogenic. Last evaluated: 2023-07-15. Review status: criteria provided, single submitter. Criteria: Invitae Variant Classification Sherloc (09022015). Collection method: clinical testing. Allele origin: germline.
Comment: This sequence change affects a donor splice site in intron 13 of the HPS5 gene. It is expected to disrupt RNA splicing. Variants that disrupt the donor or acceptor splice site typically lead to a loss of protein function (PMID: 16199547), and loss-of-function variants in HPS5 are known to be pathogenic (PMID: 12548288, 15296495, 21833017, 26785811). Disruption of this splice site has been observed in individual(s) with Hermansky-Pudlak syndrome (PMID: 21833017). This variant is not present in population databases (gnomAD no frequency). ClinVar contains an entry for this variant (Variation ID: 2137025). For these reasons, this variant has been classified as Pathogenic. Algorithms developed to predict the effect of sequence changes on RNA splicing suggest that this variant may disrupt the consensus splice site. Studies have shown that disruption of this splice site alters HPS5 gene expression (PMID: 21833017).

Literature cited by the submitters: PubMed 16199547; PubMed 12548288; PubMed 15296495; PubMed 21833017; PubMed 26785811.